The following is an entry in ClinVar:

ClinVar aggregate classification (germline): Uncertain significance (1 of 4 stars; one submission).

Conditions:
Familial cancer of breast. Also called: hereditary breast carcinoma; Hereditary breast cancer; BREAST CANCER, FAMILIAL. Identifiers: Orphanet 227535, MedGen C0346153, MONDO:0016419, OMIM 114480. Disease mechanism: loss of function.

Submission:

Labcorp Genetics (formerly Invitae), Labcorp
Classification: Uncertain significance for Familial cancer of breast. Last evaluated: 2023-11-17. Review status: criteria provided, single submitter. Criteria: Invitae Variant Classification Sherloc (09022015). Collection method: clinical testing. Allele origin: germline.
Comment: This sequence change replaces aspartic acid, which is acidic and polar, with glutamic acid, which is acidic and polar, at codon 3 of the BARD1 protein (p.Asp3Glu). This variant is not present in population databases (gnomAD no frequency). This variant has not been reported in the literature in individuals affected with BARD1-related conditions. An algorithm developed to predict the effect of missense changes on protein structure and function (PolyPhen-2) suggests that this variant is likely to be tolerated. In summary, the available evidence is currently insufficient to determine the role of this variant in disease. Therefore, it has been classified as a Variant of Uncertain Significance.

NM_000465.4(BARD1):c.9T>G (p.Asp3Glu)

Gene: BARD1 (BRCA1 associated RING domain 1; minus strand). Cytogenetic location: 2q35.
Variant type: single nucleotide variant.
Coding change: c.9T>G on transcript NM_000465.4 (MANE Select); coding-DNA position 9, T replaced by G.
Protein change: p.Asp3Glu; replaces aspartic acid 3 with glutamic acid.
Molecular consequence: missense variant. On other transcripts: non-coding transcript variant (3).
Genome position (GRCh38, 1-based): chr2:214,809,561, A>C on the plus strand (T>G on the coding strand, the complement: BARD1 is on the minus strand). VCF-style: chr2-214809561-A-C. GRCh37 (hg19) VCF-style: chr2-215674285-A-C.
Other names: c.9T>G, p.Asp3Glu (NM_001282543.2, NM_001282545.2, NM_001282548.2 and 1 more transcripts); short protein forms D3E.
Identifiers: ClinVar variation 2696711 (VCV002696711.3), dbSNP rs1574870148, ClinGen allele CA350465498.